The following is an entry in ClinVar:

ClinVar aggregate classification (germline): Pathogenic (1 of 4 stars; one submission).

Conditions:
X-linked mixed hearing loss with perilymphatic gusher. Also called: Deafness, X-linked 2; NANCE DEAFNESS; PERILYMPHATIC GUSHER-DEAFNESS SYNDROME; SENSORINEURAL DEAFNESS, PROFOUND, WITH OR WITHOUT A CONDUCTIVE COMPONENT, ASSOCIATED WITH A UNIQUE DEVELOPMENTAL ABNORMALITY OF THE EAR; Gusher syndrome. Identifiers: Orphanet 383, MedGen C1844678, MONDO:0010576, OMIM 304400.

Submission:

Institute of Rare Diseases, West China Hospital, Sichuan University
Classification: Pathogenic for X-linked mixed hearing loss with perilymphatic gusher. Last evaluated: 2025-01-09. Review status: criteria provided, single submitter. Criteria: ClinGen HL ACMG Specifications v1. Collection method: research. Allele origin: germline. Affected: yes.
Comment: PVS1;PM3_Supporting;PP4;PM2_Supporting

NM_000307.5(POU3F4):c.1075del (p.His359fs)

Gene: POU3F4 (POU class 3 homeobox 4; plus strand). Cytogenetic location: Xq21.1.
Variant type: Deletion.
Coding change: c.1075del on transcript NM_000307.5 (MANE Select); coding-DNA position 1075, one base deleted (C; older notation c.1075delC).
Protein change: p.His359fs; shifts the reading frame from histidine 359.
Molecular consequence: frameshift variant.
Genome position (GRCh38, 1-based): chrX:83,509,399, C deleted; the last of 2 consecutive C bases (chrX:83,509,398-83,509,399); deleting either gives the same sequence. VCF-style (leftmost placement, unchanged base first): chrX-83509397-GC-G. GRCh37 (hg19) VCF-style: chrX-82764405-GC-G.
Other names: short protein forms H359fs.
Identifiers: ClinVar variation 3601643 (VCV003601643.1).
Genomic context (GRCh38, chrX:83,509,397, plus strand): 5'-CGCCAGGGGATCAGCAGCCGCATGAGGTTTATTCGCACACCGTGAAAACAGACACATCTT[GC>G]CATGATCTCTGACTGGAGGAAGCGAGGAGGCGGCCGGCCGCACTGGGAGCAGCGCGGATT-3'